The following is an entry in ClinVar:

ClinVar aggregate classification (germline): Uncertain significance (1 of 4 stars; one submission).

Conditions:
Ehlers-Danlos syndrome, classic type, 1 (EDSCL1). Also called: EHLERS-DANLOS SYNDROME, GRAVIS TYPE; EHLERS-DANLOS SYNDROME, SEVERE CLASSIC TYPE; Ehlers-Danlos syndrome, type 1; Ehlers-Danlos Syndrome, Classic Type, COL5A1-Related; EDS I. Identifiers: MedGen C0268335, MONDO:0019567, OMIM 130000.

Submission:

Labcorp Genetics (formerly Invitae), Labcorp
Classification: Uncertain significance for Ehlers-Danlos syndrome, classic type, 1. Last evaluated: 2021-04-14. Review status: criteria provided, single submitter. Criteria: Invitae Variant Classification Sherloc (09022015). Collection method: clinical testing. Allele origin: germline.
Comment: In summary, the available evidence is currently insufficient to determine the role of this variant in disease. Therefore, it has been classified as a Variant of Uncertain Significance. Advanced modeling of protein sequence and biophysical properties (such as structural, functional, and spatial information, amino acid conservation, physicochemical variation, residue mobility, and thermodynamic stability) performed at Invitae indicates that this missense variant is not expected to disrupt COL5A2 protein function. This variant has not been reported in the literature in individuals with COL5A2-related conditions. This variant is not present in population databases (ExAC no frequency). This sequence change replaces alanine with proline at codon 323 of the COL5A2 protein (p.Ala323Pro). The alanine residue is highly conserved and there is a small physicochemical difference between alanine and proline.

NM_000393.5(COL5A2):c.967G>C (p.Ala323Pro)

Gene: COL5A2 (collagen type V alpha 2 chain; minus strand). Cytogenetic location: 2q32.2.
Variant type: single nucleotide variant.
Coding change: c.967G>C on transcript NM_000393.5 (MANE Select); coding-DNA position 967, G replaced by C.
Protein change: p.Ala323Pro; replaces alanine 323 with proline.
Molecular consequence: missense variant.
Genome position (GRCh38, 1-based): chr2:189,079,101, C>G on the plus strand (G>C on the coding strand, the complement: COL5A2 is on the minus strand). VCF-style: chr2-189079101-C-G. GRCh37 (hg19) VCF-style: chr2-189943827-C-G.
Other names: short protein forms A323P.
Identifiers: ClinVar variation 1439937 (VCV001439937.8), dbSNP rs2105632778, ClinGen allele CA349856237.
Genomic context (GRCh38, chr2:189,079,101, plus strand): 5'-AAACAAGAAAACGAGCACATACCAGAGGACCCATGGCACCCATTGGACCAGTGGGGCCAG[C>G]TTCACCCTAAAAAAAAATGAGAATACATTACAGTATGAGAAGCCTACAACCGATACATCA-3'
Protein context (NP_000384.2, residues 313-333): EVGAPGSKGE[Ala323Pro]GPTGPMGAMG